The following is an entry in ClinVar:

NM_001191061.2(SLC25A22):c.938C>T (p.Ser313Phe)

Gene: SLC25A22 (solute carrier family 25 member 22; minus strand). Cytogenetic location: 11p15.5.
Variant type: single nucleotide variant.
Coding change: c.938C>T on transcript NM_001191061.2 (MANE Select); coding-DNA position 938, C replaced by T.
Protein change: p.Ser313Phe; replaces serine 313 with phenylalanine.
Molecular consequence: missense variant.
Genome position (GRCh38, 1-based): chr11:791,949, G>A on the plus strand (C>T on the coding strand, the complement: SLC25A22 is on the minus strand). VCF-style: chr11-791949-G-A. GRCh37 (hg19) VCF-style: chr11-791949-G-A.
Other names: c.938C>T, p.Ser313Phe (NM_001191060.2, NM_024698.6); short protein forms S313F.
Identifiers: ClinVar variation 1766763 (VCV001766763.2), dbSNP rs2494975567, ClinGen allele CA378966297.

ClinVar aggregate classification (germline): Uncertain significance (1 of 4 stars; one submission).

Conditions:
Inborn genetic diseases. Identifiers: MedGen C0950123, MeSH D030342.

Submission:

Ambry Genetics
Classification: Uncertain significance for Inborn genetic diseases. Last evaluated: 2019-01-05. Review status: criteria provided, single submitter. Criteria: Ambry Variant Classification Scheme 2023. Collection method: clinical testing. Allele origin: germline.
Comment: The p.S313F variant (also known as c.938C>T), located in coding exon 9 of the SLC25A22 gene, results from a C to T substitution at nucleotide position 938. The serine at codon 313 is replaced by phenylalanine, an amino acid with highly dissimilar properties. This amino acid position is poorly conserved in available vertebrate species. In addition, this alteration is predicted to be tolerated by in silico analysis. Since supporting evidence is limited at this time, the clinical significance of this alteration remains unclear.